The following is an entry in ClinVar:

ClinVar aggregate classification (germline): Uncertain significance (1 of 4 stars; one submission).

Conditions:
Cone-rod dystrophy 13 (CORD13). Identifiers: Orphanet 1872, MedGen C2750720, MONDO:0011987, OMIM 608194.
Leber congenital amaurosis 6 (LCA6). Identifiers: Orphanet 65, MedGen C1854260, MONDO:0013446, OMIM 613826.

Allele frequency attached by ClinVar (database versions not stated): gnomAD exomes below 0.00001; TOPMed below 0.00001; ExAC 0.00001.
gnomAD v4.1: 6 of 1,612,890 alleles (0.00037%); highest among the groups gnomAD compares: Admixed American, 0.0017%; no homozygotes.

Submission:

Labcorp Genetics (formerly Invitae), Labcorp
Classification: Uncertain significance for Leber congenital amaurosis 6; Cone-rod dystrophy 13. Last evaluated: 2023-06-30. Review status: criteria provided, single submitter. Criteria: Invitae Variant Classification Sherloc (09022015). Collection method: clinical testing. Allele origin: germline.
Comment: In summary, the available evidence is currently insufficient to determine the role of this variant in disease. Therefore, it has been classified as a Variant of Uncertain Significance. Advanced modeling of protein sequence and biophysical properties (such as structural, functional, and spatial information, amino acid conservation, physicochemical variation, residue mobility, and thermodynamic stability) performed at Invitae indicates that this missense variant is not expected to disrupt RPGRIP1 protein function. ClinVar contains an entry for this variant (Variation ID: 1420783). This variant has not been reported in the literature in individuals affected with RPGRIP1-related conditions. This variant is present in population databases (rs748892211, gnomAD 0.003%). This sequence change replaces methionine, which is neutral and non-polar, with lysine, which is basic and polar, at codon 544 of the RPGRIP1 protein (p.Met544Lys).

NM_020366.4(RPGRIP1):c.1631T>A (p.Met544Lys)

Gene: RPGRIP1 (RPGR interacting protein 1; plus strand). Cytogenetic location: 14q11.2.
Variant type: single nucleotide variant.
Coding change: c.1631T>A on transcript NM_020366.4 (MANE Select); coding-DNA position 1631, T replaced by A.
Protein change: p.Met544Lys; replaces methionine 544 with lysine.
Molecular consequence: missense variant.
Genome position (GRCh38, 1-based): chr14:21,321,873, T>A. VCF-style: chr14-21321873-T-A. GRCh37 (hg19) VCF-style: chr14-21790032-T-A.
Other names: c.557T>A, p.Met186Lys (NM_001377523.1, NM_001377948.1, NM_001377949.1 and 1 more transcripts); c.59T>A, p.Met20Lys (NM_001377951.1); short protein forms M20K, M186K, M544K.
Identifiers: ClinVar variation 1420783 (VCV001420783.6), dbSNP rs748892211, ClinGen allele CA7089038.